The following is an entry in ClinVar:

NM_000059.4(BRCA2):c.3617del (p.Gly1206fs)

Gene: BRCA2 (BRCA2 DNA repair associated; plus strand). Cytogenetic location: 13q13.1.
Variant type: Deletion.
Coding change: c.3617del on transcript NM_000059.4 (MANE Select); coding-DNA position 3617, one base deleted (G; older notation c.3617delG).
Protein change: p.Gly1206fs; shifts the reading frame from glycine 1206.
Molecular consequence: frameshift variant. On other transcripts: non-coding transcript variant (1), intron variant (2).
Genome position (GRCh38, 1-based): chr13:32,337,972, G deleted; the last of 2 consecutive G bases (chr13:32,337,971-32,337,972); deleting either gives the same sequence. VCF-style (leftmost placement, unchanged base first): chr13-32337970-TG-T. GRCh37 (hg19) VCF-style: chr13-32912107-TG-T.
Other names: c.3617del, p.Gly1206fs (NM_001406719.1, NM_001406720.1, NM_001432077.1); c.1909+4585del (NM_001406721.1); c.425-6586del (NM_001406722.1); short protein forms G1206fs.
Identifiers: ClinVar variation 4533318 (VCV004533318.1).

ClinVar aggregate classification (germline): Pathogenic (1 of 4 stars; one submission).

Conditions:
Breast-ovarian cancer, familial, susceptibility to, 2 (BROVCA2). Also called: BRCA2 Hereditary Breast and Ovarian Cancer. Identifiers: Orphanet 145, MedGen C2675520, MONDO:0012933, OMIM 612555. Disease mechanism: loss of function.

Submission:

Institute of Human Genetics, University of Leipzig Medical Center
Classification: Pathogenic for Breast-ovarian cancer, familial, susceptibility to, 2. Last evaluated: 2025-11-17. Review status: criteria provided, single submitter. Criteria: ACMG Guidelines, 2015. Collection method: clinical testing. Allele origin: unknown. Inheritance: Autosomal dominant inheritance. Affected: yes.
Comment: Criteria applied: PVS1,PM5_STR,PM2_SUP